The following is an entry in ClinVar:

NM_001735.3(C5):c.1636G>A (p.Val546Ile)

Gene: C5 (complement C5; minus strand). Cytogenetic location: 9q33.2.
Variant type: single nucleotide variant.
Coding change: c.1636G>A on transcript NM_001735.3 (MANE Select); coding-DNA position 1636, G replaced by A.
Protein change: p.Val546Ile; replaces valine 546 with isoleucine.
Molecular consequence: missense variant.
Genome position (GRCh38, 1-based): chr9:121,017,723, C>T on the plus strand (G>A on the coding strand, the complement: C5 is on the minus strand). VCF-style: chr9-121017723-C-T. GRCh37 (hg19) VCF-style: chr9-123780001-C-T.
Other names: c.1654G>A, p.Val552Ile (NM_001317163.2); c.1636G>A, p.Val546Ile (NM_001317164.2); short protein forms V546I, V552I.
Identifiers: ClinVar variation 1349946 (VCV001349946.8), dbSNP rs773921975, ClinGen allele CA5218022.

ClinVar aggregate classification (germline): Uncertain significance (1 of 4 stars; one submission).

Allele frequency attached by ClinVar (database versions not stated): ExAC 0.00002.
gnomAD v4.1: 9 of 1,613,168 alleles (0.00056%); highest among the groups gnomAD compares: Admixed American, 0.0033%; 1 homozygote.

Submission:

Labcorp Genetics (formerly Invitae), Labcorp
Classification: Uncertain significance. Last evaluated: 2023-10-13. Review status: criteria provided, single submitter. Criteria: Invitae Variant Classification Sherloc (09022015). Collection method: clinical testing. Allele origin: germline.
Comment: This sequence change replaces valine, which is neutral and non-polar, with isoleucine, which is neutral and non-polar, at codon 546 of the C5 protein (p.Val546Ile). This variant is present in population databases (rs773921975, gnomAD 0.006%). This variant has not been reported in the literature in individuals affected with C5-related conditions. ClinVar contains an entry for this variant (Variation ID: 1349946). Algorithms developed to predict the effect of missense changes on protein structure and function output the following: SIFT: "Not Available"; PolyPhen-2: "Benign"; Align-GVGD: "Not Available". The isoleucine amino acid residue is found in multiple mammalian species, which suggests that this missense change does not adversely affect protein function. In summary, the available evidence is currently insufficient to determine the role of this variant in disease. Therefore, it has been classified as a Variant of Uncertain Significance.